The following is an entry in ClinVar:

NM_016562.4(TLR7):c.664G>C (p.Val222Leu)

Gene: TLR7 (toll like receptor 7; plus strand). Cytogenetic location: Xp22.2.
Variant type: single nucleotide variant.
Coding change: c.664G>C on transcript NM_016562.4 (MANE Select); coding-DNA position 664, G replaced by C.
Protein change: p.Val222Leu; replaces valine 222 with leucine.
Molecular consequence: missense variant.
Genome position (GRCh38, 1-based): chrX:12,886,172, G>C. VCF-style: chrX-12886172-G-C. GRCh37 (hg19) VCF-style: chrX-12904291-G-C.
Other names: c.664G>C (NM_016562.3); short protein forms V222L.
Identifiers: ClinVar variation 3679507 (VCV003679507.3).

ClinVar aggregate classification (germline): Uncertain significance. Review status: criteria provided, multiple submitters, no conflicts (2 of 4 stars). 2 submissions from 2 submitters: Uncertain significance (2). Last evaluated 2025-08-23.

gnomAD v4.1: 8 of 1,210,003 alleles (0.00066%); highest among the groups gnomAD compares: East Asian, 0.021%; no homozygotes.

Submissions (2):

Ambry Genetics
Classification: Uncertain significance. Last evaluated: 2025-08-23. Review status: criteria provided, single submitter. Criteria: Ambry Variant Classification Scheme 2023. Collection method: clinical testing. Allele origin: germline.

Labcorp Genetics (formerly Invitae), Labcorp
Classification: Uncertain significance. Last evaluated: 2024-10-25. Review status: criteria provided, single submitter. Criteria: Invitae Variant Classification Sherloc (09022015). Collection method: clinical testing. Allele origin: germline.
Comment: This sequence change replaces valine, which is neutral and non-polar, with leucine, which is neutral and non-polar, at codon 222 of the TLR7 protein (p.Val222Leu). This variant is present in population databases (rs757257297, gnomAD 0.04%), and has an allele count higher than expected for a pathogenic variant. This variant has not been reported in the literature in individuals affected with TLR7-related conditions. An algorithm developed to predict the effect of missense changes on protein structure and function outputs the following: PolyPhen-2: "Benign". The leucine amino acid residue is found in multiple mammalian species, which suggests that this missense change does not adversely affect protein function. In summary, the available evidence is currently insufficient to determine the role of this variant in disease. Therefore, it has been classified as a Variant of Uncertain Significance.